The following is an entry in ClinVar:

ClinVar aggregate classification (germline): Uncertain significance. Review status: criteria provided, multiple submitters, no conflicts (2 of 4 stars). 4 submissions from 4 submitters: Uncertain significance (2). 2 of the submissions do not count toward it. Last evaluated 2025-11-24.

Conditions:
Early-infantile DEE. Also called: Ohtahara syndrome; Early infantile epileptic encephalopathy with suppression bursts; Early infantile epileptic encephalopathy. Identifiers: Orphanet 1934, MedGen C0393706, MONDO:0800491.
SCN1A-related disorder. Also called: SCN1A-related conditions; SCN1A-related condition; SCN1A-related disorders.
Severe myoclonic epilepsy in infancy (DRVT). Also called: Epileptic encephalopathy, early infantile, 6 (Dravet syndrome); Dravet syndrome; SEVERE MYOCLONIC EPILEPSY OF INFANCY; DEVELOPMENTAL AND EPILEPTIC ENCEPHALOPATHY 6A; Severe Myoclonic Epilepsy in Infancy (SMEI). Identifiers: Orphanet 33069, MedGen C0751122, MONDO:0100135, OMIM 607208.

Allele frequency attached by ClinVar (database versions not stated): gnomAD 0.00001; gnomAD exomes 0.00002; TOPMed 0.00004.
gnomAD v4.1: 26 of 1,612,470 alleles (0.0016%); highest among the groups gnomAD compares: Non-Finnish European, 0.0022%; no homozygotes.

Submissions (4):

Labcorp Genetics (formerly Invitae), Labcorp
Classification: Uncertain significance for Early-infantile DEE. Last evaluated: 2025-11-24. Review status: criteria provided, single submitter. Criteria: Invitae Variant Classification Sherloc (09022015). Collection method: clinical testing. Allele origin: germline.
Comment: This sequence change replaces threonine, which is neutral and polar, with asparagine, which is neutral and polar, at codon 105 of the SCN1A protein (p.Thr105Asn). This variant is present in population databases (no rsID available, gnomAD 0.0009%). This variant has not been reported in the literature in individuals affected with SCN1A-related conditions. ClinVar contains an entry for this variant (Variation ID: 1801821). Invitae Evidence Modeling of protein sequence and biophysical properties (such as structural, functional, and spatial information, amino acid conservation, physicochemical variation, residue mobility, and thermodynamic stability) indicates that this missense variant is expected to disrupt SCN1A protein function with a positive predictive value of 95%. In summary, the available evidence is currently insufficient to determine the role of this variant in disease. Therefore, it has been classified as a Variant of Uncertain Significance.

GeneDx
Classification: Uncertain significance. Last evaluated: 2023-12-29. Review status: criteria provided, single submitter. Criteria: GeneDx Variant Classification Process June 2021. Collection method: clinical testing. Allele origin: germline. Affected: yes.
Comment: In silico analysis supports that this missense variant has a deleterious effect on protein structure/function; This substitution is predicted to be within the N-terminal cytoplasmic domain.; Missense variants in this gene are a common cause of disease and they are underrepresented in the general population; Has not been previously published as pathogenic or benign to our knowledge

PreventionGenetics, part of Exact Sciences
Classification: Uncertain significance for SCN1A-related condition. Last evaluated: 2024-08-26. Review status: no assertion criteria provided. Collection method: clinical testing. Allele origin: germline. Not counted in ClinVar's aggregate classification.
Comment: The SCN1A c.314C>A variant is predicted to result in the amino acid substitution p.Thr105Asn. To our knowledge, this variant has not been reported in the literature. This variant is reported in 0.00088% of alleles in individuals of European (Non-Finnish) descent in gnomAD. At this time, the clinical significance of this variant is uncertain due to the absence of conclusive functional and genetic evidence.

Institute of Human Genetics, University of Goettingen
Classification: Likely pathogenic for Severe myoclonic epilepsy in infancy. Last evaluated: 2022-11-24. Review status: no assertion criteria provided. Collection method: clinical testing. Allele origin: unknown. Inheritance: Sporadic. Affected: yes. Not counted in ClinVar's aggregate classification.

NM_001165963.4(SCN1A):c.314C>A (p.Thr105Asn)

Gene: SCN1A (sodium voltage-gated channel alpha subunit 1; minus strand). Cytogenetic location: 2q24.3.
Variant type: single nucleotide variant.
Coding change: c.314C>A on transcript NM_001165963.4 (MANE Select); coding-DNA position 314, C replaced by A.
Protein change: p.Thr105Asn; replaces threonine 105 with asparagine.
Molecular consequence: missense variant. On other transcripts: 5 prime UTR variant (1), non-coding transcript variant (1).
Genome position (GRCh38, 1-based): chr2:166,058,639, G>T on the plus strand (C>A on the coding strand, the complement: SCN1A is on the minus strand). VCF-style: chr2-166058639-G-T. GRCh37 (hg19) VCF-style: chr2-166915149-G-T.
Other names: c.314C>A (NM_001165963.1, NM_001202435.1); c.314C>A, p.Thr105Asn (NM_001165964.3, NM_001202435.3, NM_001353948.2 and 10 more transcripts); c.-2112C>A (NM_001353961.2); short protein forms T105N.
Identifiers: ClinVar variation 1801821 (VCV001801821.8), dbSNP rs796053089, ClinGen allele CA59804349.